The following is an entry in ClinVar:

NM_001805.4(CEBPE):c.395_406del (p.Ala132_Arg135del)

Gene: CEBPE (CCAAT enhancer binding protein epsilon; minus strand). Cytogenetic location: 14q11.2.
Variant type: Deletion.
Coding change: c.395_406del on transcript NM_001805.4 (MANE Select); coding-DNA positions 395 to 406, 12 bases deleted (CTGCCAGCCGAG).
Protein change: p.Ala132_Arg135del.
Molecular consequence: inframe deletion.
Genome position (GRCh38, 1-based): chr14:23,118,686-23,118,697, CTCGGCTGGCAG deleted on the plus strand (CTGCCAGCCGAG on the coding strand, the reverse complement: CEBPE is on the minus strand); deleting any 12 consecutive bases within chr14:23,118,686-23,118,705 gives the same sequence; the c. name uses the placement nearest the transcript's 3' end. VCF-style (leftmost placement, unchanged base first): chr14-23118685-CCTCGGCTGGCAG-C. GRCh37 (hg19) VCF-style: chr14-23587894-CCTCGGCTGGCAG-C.
Identifiers: ClinVar variation 1039134 (VCV001039134.7), dbSNP rs757777504, ClinGen allele CA7111218.

ClinVar aggregate classification (germline): Uncertain significance (1 of 4 stars; one submission).

Conditions:
Specific granule deficiency. Identifiers: Orphanet 169142, MedGen C0398593, MONDO:0009506.

Submission:

Labcorp Genetics (formerly Invitae), Labcorp
Classification: Uncertain significance for Specific granule deficiency. Last evaluated: 2025-04-23. Review status: criteria provided, single submitter. Criteria: Invitae Variant Classification Sherloc (09022015). Collection method: clinical testing. Allele origin: germline.
Comment: This variant, c.395_406del, results in the deletion of 4 amino acid(s) of the CEBPE protein (p.Ala132_Arg135del), but otherwise preserves the integrity of the reading frame. This variant is present in population databases (rs757777504, gnomAD 0.009%). This variant has not been reported in the literature in individuals affected with CEBPE-related conditions. ClinVar contains an entry for this variant (Variation ID: 1039134). Experimental studies and prediction algorithms are not available or were not evaluated, and the functional significance of this variant is currently unknown. In summary, the available evidence is currently insufficient to determine the role of this variant in disease. Therefore, it has been classified as a Variant of Uncertain Significance.